The following is an entry in ClinVar:

NM_001378457.1(DMXL2):c.2576T>C (p.Ile859Thr)

Gene: DMXL2 (Dmx like 2; minus strand). Cytogenetic location: 15q21.2.
Variant type: single nucleotide variant.
Coding change: c.2576T>C on transcript NM_001378457.1 (MANE Select); coding-DNA position 2576, T replaced by C.
Protein change: p.Ile859Thr; replaces isoleucine 859 with threonine.
Molecular consequence: missense variant. On other transcripts: non-coding transcript variant (2).
Genome position (GRCh38, 1-based): chr15:51,514,510, A>G on the plus strand (T>C on the coding strand, the complement: DMXL2 is on the minus strand). VCF-style: chr15-51514510-A-G. GRCh37 (hg19) VCF-style: chr15-51806707-A-G.
Other names: c.2576T>C (NM_001174116.1); c.2576T>C, p.Ile859Thr (NM_001174116.3, NM_001174117.3, NM_001378458.1 and 6 more transcripts); c.2336T>C, p.Ile779Thr (NM_001378464.1); short protein forms I859T, I779T.
Identifiers: ClinVar variation 1984856 (VCV001984856.6), dbSNP rs201956343, ClinGen allele CA7562325.

ClinVar aggregate classification (germline): Uncertain significance. Review status: criteria provided, multiple submitters, no conflicts (2 of 4 stars). 4 submissions from 4 submitters: Uncertain significance (3). 1 of the submissions does not count toward it. Last evaluated 2025-11-12.

Conditions:
DMXL2-related disorder. Also called: DMXL2-related condition.
Inborn genetic diseases. Identifiers: MedGen C0950123, MeSH D030342.

Allele frequency attached by ClinVar (database versions not stated): gnomAD 0.00010; ExAC 0.00009; gnomAD exomes 0.00009; TOPMed 0.00010; ESP Exome Variant Server 0.00015.
gnomAD v4.1: 141 of 1,598,482 alleles (0.0088%); highest among the groups gnomAD compares: Non-Finnish European, 0.011%; no homozygotes.

Submissions (4):

Ambry Genetics
Classification: Uncertain significance for Inborn genetic diseases. Last evaluated: 2025-11-12. Review status: criteria provided, single submitter. Criteria: Ambry Variant Classification Scheme 2023. Collection method: clinical testing. Allele origin: germline.

GeneDx
Classification: Uncertain significance. Last evaluated: 2024-11-11. Review status: criteria provided, single submitter. Criteria: GeneDx Variant Classification Process June 2021. Collection method: clinical testing. Allele origin: germline. Affected: yes.
Comment: In silico analysis indicates that this missense variant does not alter protein structure/function; Has not been previously published as pathogenic or benign to our knowledge

Labcorp Genetics (formerly Invitae), Labcorp
Classification: Uncertain significance. Last evaluated: 2022-06-23. Review status: criteria provided, single submitter. Criteria: Invitae Variant Classification Sherloc (09022015). Collection method: clinical testing. Allele origin: germline.
Comment: This sequence change replaces isoleucine, which is neutral and non-polar, with threonine, which is neutral and polar, at codon 859 of the DMXL2 protein (p.Ile859Thr). This variant is present in population databases (rs201956343, gnomAD 0.02%). This variant has not been reported in the literature in individuals affected with DMXL2-related conditions. Algorithms developed to predict the effect of missense changes on protein structure and function (SIFT, PolyPhen-2, Align-GVGD) all suggest that this variant is likely to be tolerated. In summary, the available evidence is currently insufficient to determine the role of this variant in disease. Therefore, it has been classified as a Variant of Uncertain Significance.

PreventionGenetics, part of Exact Sciences
Classification: Uncertain significance for DMXL2-related condition. Last evaluated: 2024-02-02. Review status: no assertion criteria provided. Collection method: clinical testing. Allele origin: germline. Not counted in ClinVar's aggregate classification.
Comment: The DMXL2 c.2576T>C variant is predicted to result in the amino acid substitution p.Ile859Thr. To our knowledge, this variant has not been reported in the literature. This variant is reported in 0.018% of alleles in individuals of European (Non-Finnish) descent in gnomAD. At this time, the clinical significance of this variant is uncertain due to the absence of conclusive functional and genetic evidence.